The following is an entry in ClinVar:

ClinVar aggregate classification (germline): Uncertain significance (1 of 4 stars; one submission).

Submission:

GeneDx
Classification: Uncertain significance. Last evaluated: 2022-12-23. Review status: criteria provided, single submitter. Criteria: GeneDx Variant Classification Process June 2021. Collection method: clinical testing. Allele origin: germline. Affected: yes.
Comment: Not observed at significant frequency in large population cohorts (gnomAD); In silico analysis supports that this missense variant has a deleterious effect on protein structure/function; Has not been previously published as pathogenic or benign to our knowledge

NM_001378974.1(FBXW11):c.1153G>C (p.Ala385Pro)

Gene: FBXW11 (F-box and WD repeat domain containing 11; minus strand). Cytogenetic location: 5q35.1.
Variant type: single nucleotide variant.
Coding change: c.1153G>C on transcript NM_001378974.1 (MANE Select); coding-DNA position 1153, G replaced by C.
Protein change: p.Ala385Pro; replaces alanine 385 with proline.
Molecular consequence: missense variant.
Genome position (GRCh38, 1-based): chr5:171,876,353, C>G on the plus strand (G>C on the coding strand, the complement: FBXW11 is on the minus strand). VCF-style: chr5-171876353-C-G. GRCh37 (hg19) VCF-style: chr5-171303357-C-G.
Other names: c.1084G>C, p.Ala362Pro (NM_001378975.1); c.1057G>C, p.Ala353Pro (NM_001378976.1); c.994G>C, p.Ala332Pro (NM_001378977.1, NM_001378978.1, NM_001378979.1); c.988G>C, p.Ala330Pro (NM_001378980.1, NM_033645.3); c.1090G>C, p.Ala364Pro (NM_012300.3); c.1051G>C, p.Ala351Pro (NM_033644.3); short protein forms A330P, A332P, A351P, A353P, A362P, A364P, A385P.
Identifiers: ClinVar variation 2507126 (VCV002507126.1), dbSNP rs2480127977, ClinGen allele CA362213570.